The following is an entry in ClinVar:

ClinVar aggregate classification (germline): Likely benign. Review status: criteria provided, multiple submitters, no conflicts (2 of 4 stars). 3 submissions from 3 submitters: Likely benign (2). 1 of the submissions does not count toward it. Last evaluated 2025-07-28.

Conditions:
COL4A2-related disorder. Also called: COL4A2-related disorders; COL4A2-related condition.
Inborn genetic diseases. Identifiers: MedGen C0950123, MeSH D030342.

Allele frequency attached by ClinVar (database versions not stated): gnomAD exomes 0.00006 and 0.00013; ExAC 0.00015; ESP Exome Variant Server 0.00025; gnomAD 0.00036 and 0.00039; 1000 Genomes Project 0.00040; TOPMed 0.00045; 1000 Genomes Project 30x 0.00047.
gnomAD v4.1: 134 of 1,614,060 alleles (0.0083%); highest among the groups gnomAD compares: African/African-American, 0.14%; 1 homozygote.

Submissions (3):

Labcorp Genetics (formerly Invitae), Labcorp
Classification: Likely benign. Last evaluated: 2025-07-28. Review status: criteria provided, single submitter. Criteria: Invitae Variant Classification Sherloc (09022015). Collection method: clinical testing. Allele origin: germline.

Ambry Genetics
Classification: Likely benign for Inborn genetic diseases. Last evaluated: 2024-09-30. Review status: criteria provided, single submitter. Criteria: Ambry Variant Classification Scheme 2023. Collection method: clinical testing. Allele origin: germline.

PreventionGenetics, part of Exact Sciences
Classification: Likely benign for COL4A2-related condition. Last evaluated: 2024-01-30. Review status: no assertion criteria provided. Collection method: clinical testing. Allele origin: germline. Not counted in ClinVar's aggregate classification.
Comment: This variant is classified as likely benign based on ACMG/AMP sequence variant interpretation guidelines (Richards et al. 2015 PMID: 25741868, with internal and published modifications).

NM_001846.4(COL4A2):c.3569C>T (p.Pro1190Leu)

Gene: COL4A2 (collagen type IV alpha 2 chain; plus strand). Cytogenetic location: 13q34.
Variant type: single nucleotide variant.
Coding change: c.3569C>T on transcript NM_001846.4 (MANE Select); coding-DNA position 3569, C replaced by T.
Protein change: p.Pro1190Leu; replaces proline 1190 with leucine.
Molecular consequence: missense variant.
Genome position (GRCh38, 1-based): chr13:110,493,217, C>T. VCF-style: chr13-110493217-C-T. GRCh37 (hg19) VCF-style: chr13-111145564-C-T.
Other names: c.3569C>T (NM_001846.2); short protein forms P1190L.
Identifiers: ClinVar variation 738801 (VCV000738801.13), dbSNP rs199782906, ClinGen allele CA7050254.